The following is an entry in ClinVar:

NM_001164508.2(NEB):c.2875_2877del (p.Cys959del)

Gene: NEB (nebulin; minus strand). Cytogenetic location: 2q23.3.
Variant type: Deletion.
Coding change: c.2875_2877del on transcript NM_001164508.2 (MANE Select); coding-DNA positions 2875 to 2877, 3 bases deleted (TGT; older notation c.2875_2877delTGT).
Protein change: p.Cys959del; deletes cysteine 959.
Molecular consequence: inframe deletion.
Genome position (GRCh38, 1-based): chr2:151,682,728-151,682,730, ACA deleted on the plus strand (TGT on the coding strand, the reverse complement: NEB is on the minus strand); deleting any 3 consecutive bases within chr2:151,682,728-151,682,732 gives the same sequence; the c. name uses the placement nearest the transcript's 3' end. VCF-style (leftmost placement, unchanged base first): chr2-151682727-CACA-C. GRCh37 (hg19) VCF-style: chr2-152539241-CACA-C.
Other names: NM_001164508.2(NEB):c.2875_2877del; p.Cys959del; c.2875_2877del, p.Cys959del (NM_001164507.2, NM_001271208.2, NM_004543.5); short protein forms C959del.
Identifiers: ClinVar variation 552033 (VCV000552033.3), dbSNP rs766232587, ClinGen allele CA1911093.
Genomic context (GRCh38, chr2:151,682,727, plus strand): 5'-TGAGGATGTCTGAAGCTCGCTTTGCCTTTTCCATTTCTAAGGACCCAAAAGGCACCCAGC[CACA>C]ACCTTTCATCCAGCTATTGTAGTCAGCTTTGTATTCAACCTAAAACACCAAGAGAAAGGT-3'

ClinVar aggregate classification (germline): Uncertain significance. Review status: criteria provided, single submitter (1 of 4 stars). 2 submissions from 2 submitters: Uncertain significance (1). 1 of the submissions does not count toward it. Last evaluated 2025-03-21.

Conditions:
Nemaline myopathy. Also called: Myopathies, Nemaline. Identifiers: Orphanet 607, MedGen C0206157, MONDO:0018958.
Nemaline myopathy 2 (NEM2). Also called: Nemaline myopathy 2, autosomal recessive. Identifiers: MedGen C1850569, MONDO:0009725, OMIM 256030.

Submissions (2):

Broad Center for Mendelian Genomics, Broad Institute of MIT and Harvard
Classification: Uncertain significance for Nemaline myopathy. Last evaluated: 2025-03-21. Review status: criteria provided, single submitter. Criteria: ACMG Guidelines, 2015. Collection method: curation. Allele origin: germline. Inheritance: Autosomal recessive inheritance.
Comment: The p.Cys959del variant in NEB has been reported in one individual with nemaline myopathy (PMID: 29246625), and has been identified in 0.07% (30/44870) of East Asian chromosomes by the Genome Aggregation Database (gnomAD; dbSNP ID: rs766232587). Although this variant has been seen in the general population in a heterozygous state, its frequency is not high enough to rule out a pathogenic role. This variant has also been reported in ClinVar (Variation ID: 552033) and has been interpreted as a variant of uncertain significance by Counsyl. This variant is a deletion of one amino acids at position 959 and is not predicted to alter the protein reading-frame. It is unclear if this deletion will impact the protein. In summary, the clinical significance of the p.Cys959del variant is uncertain. ACMG/AMP Criteria applied: PM4_supporting (Richards 2015).

Counsyl
Classification: Uncertain significance for Nemaline myopathy 2. Last evaluated: 2017-05-19. Review status: no assertion criteria provided. Collection method: clinical testing. Allele origin: unknown. Not counted in ClinVar's aggregate classification.